The following is an entry in ClinVar:

NM_001199267.2(DGKZ):c.2359G>A (p.Ala787Thr)

Gene: DGKZ (diacylglycerol kinase zeta; plus strand). Cytogenetic location: 11p11.2.
Variant type: single nucleotide variant.
Coding change: c.2359G>A on transcript NM_001199267.2 (MANE Select); coding-DNA position 2359, G replaced by A.
Protein change: p.Ala787Thr; replaces alanine 787 with threonine.
Molecular consequence: missense variant.
Genome position (GRCh38, 1-based): chr11:46,378,217, G>A. VCF-style: chr11-46378217-G-A. GRCh37 (hg19) VCF-style: chr11-46399767-G-A.
Other names: c.2926G>A, p.Ala976Thr (NM_001105540.2); c.2362G>A, p.Ala788Thr (NM_001199266.2, NM_003646.4); c.2293G>A, p.Ala765Thr (NM_001199268.2); c.2410G>A, p.Ala804Thr (NM_201532.3); c.2374G>A, p.Ala792Thr (NM_201533.3); short protein forms A804T, A976T, A788T, A765T, A792T, A787T.
Identifiers: ClinVar variation 1976047 (VCV001976047.5), dbSNP rs747822279, ClinGen allele CA5963202.

ClinVar aggregate classification (germline): Uncertain significance (1 of 4 stars; one submission).

Allele frequency attached by ClinVar (database versions not stated): gnomAD exomes below 0.00001; ExAC 0.00002.
gnomAD v4.1: 3 of 1,608,982 alleles (0.00019%); highest among the groups gnomAD compares: Non-Finnish European, 0.00025%; no homozygotes.

Submission:

Labcorp Genetics (formerly Invitae), Labcorp
Classification: Uncertain significance. Last evaluated: 2022-07-28. Review status: criteria provided, single submitter. Criteria: Invitae Variant Classification Sherloc (09022015). Collection method: clinical testing. Allele origin: germline.
Comment: This sequence change replaces alanine, which is neutral and non-polar, with threonine, which is neutral and polar, at codon 976 of the DGKZ protein (p.Ala976Thr). The frequency data for this variant in the population databases is considered unreliable, as metrics indicate poor data quality at this position in the gnomAD database. This variant has not been reported in the literature in individuals affected with DGKZ-related conditions. Algorithms developed to predict the effect of missense changes on protein structure and function (SIFT, PolyPhen-2, Align-GVGD) all suggest that this variant is likely to be tolerated. In summary, the available evidence is currently insufficient to determine the role of this variant in disease. Therefore, it has been classified as a Variant of Uncertain Significance.